The following is an entry in ClinVar:

NM_001165963.4(SCN1A):c.236A>G (p.Asp79Gly)

Gene: SCN1A (sodium voltage-gated channel alpha subunit 1; minus strand). Cytogenetic location: 2q24.3.
Variant type: single nucleotide variant.
Coding change: c.236A>G on transcript NM_001165963.4 (MANE Select); coding-DNA position 236, A replaced by G.
Protein change: p.Asp79Gly; replaces aspartic acid 79 with glycine.
Molecular consequence: missense variant. On other transcripts: 5 prime UTR variant (1), non-coding transcript variant (1).
Genome position (GRCh38, 1-based): chr2:166,073,386, T>C on the plus strand (A>G on the coding strand, the complement: SCN1A is on the minus strand). VCF-style: chr2-166073386-T-C. GRCh37 (hg19) VCF-style: chr2-166929896-T-C.
Other names: c.236A>G, p.Asp79Gly (NM_001165964.3, NM_001202435.3, NM_001353948.2 and 10 more transcripts); c.-2190A>G (NM_001353961.2); short protein forms D79G.
Identifiers: ClinVar variation 1973924 (VCV001973924.5), dbSNP rs2468364142, ClinGen allele CA349242707.

ClinVar aggregate classification (germline): Pathogenic (1 of 4 stars; one submission).

Conditions:
Early-infantile DEE. Also called: Ohtahara syndrome; Early infantile epileptic encephalopathy; Early infantile epileptic encephalopathy with suppression bursts. Identifiers: Orphanet 1934, MedGen C0393706, MONDO:0800491.

Submission:

Labcorp Genetics (formerly Invitae), Labcorp
Classification: Pathogenic for Early-infantile DEE. Last evaluated: 2022-09-28. Review status: criteria provided, single submitter. Criteria: Invitae Variant Classification Sherloc (09022015). Collection method: clinical testing. Allele origin: germline.
Comment: For these reasons, this variant has been classified as Pathogenic. This variant disrupts the p.Asp79 amino acid residue in SCN1A. Other variant(s) that disrupt this residue have been observed in individuals with SCN1A-related conditions (PMID: 17347258, 21248271, 30868114), which suggests that this may be a clinically significant amino acid residue. Advanced modeling of protein sequence and biophysical properties (such as structural, functional, and spatial information, amino acid conservation, physicochemical variation, residue mobility, and thermodynamic stability) performed at Invitae indicates that this missense variant is expected to disrupt SCN1A protein function. This missense change has been observed in individual(s) with seizures (Invitae). In at least one individual the variant was observed to be de novo. This variant is not present in population databases (gnomAD no frequency). This sequence change replaces aspartic acid, which is acidic and polar, with glycine, which is neutral and non-polar, at codon 79 of the SCN1A protein (p.Asp79Gly).

Literature cited by the submitters: PubMed 17347258; PubMed 21248271; PubMed 30868114.